The following is an entry in ClinVar:

ClinVar aggregate classification (germline): Uncertain significance. Review status: criteria provided, multiple submitters, no conflicts (2 of 4 stars). 2 submissions from 2 submitters: Uncertain significance (2). Last evaluated 2024-12-04.

Conditions:
Inborn genetic diseases. Identifiers: MedGen C0950123, MeSH D030342.
Developmental and epileptic encephalopathy, 12 (DEE12). Identifiers: MedGen C3150988, MONDO:0013389, OMIM 613722.

Allele frequency attached by ClinVar (database versions not stated): gnomAD 0.00001; gnomAD exomes 0.00001; TOPMed 0.00001; ExAC 0.00002.
gnomAD v4.1: 11 of 1,613,310 alleles (0.00068%); highest among the groups gnomAD compares: South Asian, 0.0088%; no homozygotes.

Submissions (2):

Ambry Genetics
Classification: Uncertain significance for Inborn genetic diseases. Last evaluated: 2024-12-04. Review status: criteria provided, single submitter. Criteria: Ambry Variant Classification Scheme 2023. Collection method: clinical testing. Allele origin: germline.

Labcorp Genetics (formerly Invitae), Labcorp
Classification: Uncertain significance for Developmental and epileptic encephalopathy, 12. Last evaluated: 2022-05-30. Review status: criteria provided, single submitter. Criteria: Invitae Variant Classification Sherloc (09022015). Collection method: clinical testing. Allele origin: germline.
Comment: This sequence change replaces threonine, which is neutral and polar, with alanine, which is neutral and non-polar, at codon 857 of the PLCB1 protein (p.Thr857Ala). In summary, the available evidence is currently insufficient to determine the role of this variant in disease. Therefore, it has been classified as a Variant of Uncertain Significance. Algorithms developed to predict the effect of missense changes on protein structure and function (SIFT, PolyPhen-2, Align-GVGD) all suggest that this variant is likely to be tolerated. This variant has not been reported in the literature in individuals affected with PLCB1-related conditions. This variant is present in population databases (rs753563126, gnomAD 0.01%).

NM_015192.4(PLCB1):c.2569A>G (p.Thr857Ala)

Gene: PLCB1 (phospholipase C beta 1; plus strand). Cytogenetic location: 20p12.3.
Variant type: single nucleotide variant.
Coding change: c.2569A>G on transcript NM_015192.4 (MANE Select); coding-DNA position 2569, A replaced by G.
Protein change: p.Thr857Ala; replaces threonine 857 with alanine.
Molecular consequence: missense variant.
Genome position (GRCh38, 1-based): chr20:8,757,091, A>G. VCF-style: chr20-8757091-A-G. GRCh37 (hg19) VCF-style: chr20-8737738-A-G.
Other names: c.2569A>G, p.Thr857Ala (NM_182734.3); c.2569A>G (NM_015192.2); short protein forms T857A.
Identifiers: ClinVar variation 1914987 (VCV001914987.6), dbSNP rs753563126, ClinGen allele CA9760314.